The following is an entry in ClinVar:

NM_020921.4(NIN):c.2026A>G (p.Ile676Val)

Genes: NIN (ninein; minus strand), LOC130055602 (ATAC-STARR-seq lymphoblastoid active region 8362; plus strand). Cytogenetic location: 14q22.1.
Variant type: single nucleotide variant.
Coding change: c.2026A>G on transcript NM_020921.4 (MANE Select); coding-DNA position 2026, A replaced by G.
Protein change: p.Ile676Val; replaces isoleucine 676 with valine.
Molecular consequence: missense variant.
Genome position (GRCh38, 1-based): chr14:50,760,230, T>C on the plus strand (A>G on the coding strand, the complement: NIN is on the minus strand). VCF-style: chr14-50760230-T-C. GRCh37 (hg19) VCF-style: chr14-51226948-T-C.
Other names: c.2026A>G, p.Ile676Val (NM_016350.5, NM_182944.3, NM_182946.2); short protein forms I676V.
Identifiers: ClinVar variation 2308760 (VCV002308760.6), dbSNP rs140712983, ClinGen allele CA7182014.
Genomic context (GRCh38, chr14:50,760,230, plus strand): 5'-TGCAAGTGGCCTCATGATGTGCCTCCTTGAGCACTGCTGCTTGCCCCTGAAGTTCAGCAA[T>C]TTCATTTTTAAGGTCACTTATTTGTTTTTCTAAGGTGTGCGTTTCGTTCTCATGCCTTTG-3'
Protein context (NP_065972.4, residues 666-686): EKQISDLKNE[Ile676Val]AELQGQAAVL

ClinVar aggregate classification (germline): Uncertain significance. Review status: criteria provided, multiple submitters, no conflicts (2 of 4 stars). 2 submissions from 2 submitters: Uncertain significance (2). Last evaluated 2025-01-08.

Allele frequency attached by ClinVar (database versions not stated): gnomAD exomes 0.00001; ExAC 0.00003; TOPMed 0.00005; gnomAD 0.00009; ESP Exome Variant Server 0.00015.
gnomAD v4.1: 30 of 1,613,494 alleles (0.0019%); highest among the groups gnomAD compares: African/African-American, 0.024%; no homozygotes.

Submissions (2):

Ambry Genetics
Classification: Uncertain significance. Last evaluated: 2025-01-08. Review status: criteria provided, single submitter. Criteria: Ambry Variant Classification Scheme 2023. Collection method: clinical testing. Allele origin: germline.

Labcorp Genetics (formerly Invitae), Labcorp
Classification: Uncertain significance. Last evaluated: 2023-08-30. Review status: criteria provided, single submitter. Criteria: Invitae Variant Classification Sherloc (09022015). Collection method: clinical testing. Allele origin: germline.
Comment: In summary, the available evidence is currently insufficient to determine the role of this variant in disease. Therefore, it has been classified as a Variant of Uncertain Significance. Algorithms developed to predict the effect of missense changes on protein structure and function output the following: SIFT: "Not Available"; PolyPhen-2: "Benign"; Align-GVGD: "Not Available". The valine amino acid residue is found in multiple mammalian species, which suggests that this missense change does not adversely affect protein function. ClinVar contains an entry for this variant (Variation ID: 2308760). This variant has not been reported in the literature in individuals affected with NIN-related conditions. This variant is present in population databases (rs140712983, gnomAD 0.02%). This sequence change replaces isoleucine, which is neutral and non-polar, with valine, which is neutral and non-polar, at codon 676 of the NIN protein (p.Ile676Val).